The following is an entry in ClinVar:

ClinVar aggregate classification (germline): Conflicting classifications of pathogenicity. Review status: criteria provided, conflicting classifications (1 of 4 stars). 4 submissions from 3 submitters: Uncertain significance (1); Benign (1); Likely benign (2). Last evaluated 2025-09-04.

Conditions:
Complement component 2 deficiency (C2D). Also called: C2 deficiency. Identifiers: MedGen C0398756, MONDO:0009006, OMIM 217000.
Age related macular degeneration 14. Also called: MACULAR DEGENERATION, AGE-RELATED, 14, REDUCED RISK OF. Identifiers: MedGen C3809653, MONDO:0014207, OMIM 615489.

Allele frequency attached by ClinVar (database versions not stated): ESP Exome Variant Server 0.00008; gnomAD 0.00020 and 0.00026; TOPMed 0.00048; gnomAD exomes 0.00074; 1000 Genomes Project 30x 0.00078; 1000 Genomes Project 0.00080; ExAC 0.00087.
gnomAD v4.1: 564 of 1,613,192 alleles (0.035%); highest among the groups gnomAD compares: East Asian, 1.2%; 5 homozygotes.

Submissions (4):

Labcorp Genetics (formerly Invitae), Labcorp
Classification: Benign. Last evaluated: 2025-09-04. Review status: criteria provided, single submitter. Criteria: Invitae Variant Classification Sherloc (09022015). Collection method: clinical testing. Allele origin: germline.

Blueprint Genetics
Classification: Likely benign. Last evaluated: 2023-12-18. Review status: criteria provided, single submitter. Criteria: ACMG Guidelines, 2015. Collection method: clinical testing. Allele origin: germline.

Illumina Laboratory Services, Illumina
Classification: Uncertain significance for Complement component 2 deficiency. Last evaluated: 2018-01-13. Review status: criteria provided, single submitter. Criteria: ICSL Variant Classification Criteria 13 December 2019. Collection method: clinical testing. Allele origin: germline.

Illumina Laboratory Services, Illumina
Classification: Likely benign for Age related macular degeneration 14. Last evaluated: 2018-01-13. Review status: criteria provided, single submitter. Criteria: ICSL Variant Classification Criteria 13 December 2019. Collection method: clinical testing. Allele origin: germline.
Comment: This variant was observed in the ICSL laboratory as part of a predisposition screen in an ostensibly healthy population. It had not been previously curated by ICSL or reported in the Human Gene Mutation Database (HGMD: prior to June 1st, 2018), and was therefore a candidate for classification through an automated scoring system. Utilizing variant allele frequency, disease prevalence and penetrance estimates, and inheritance mode, an automated score was calculated to assess if this variant is too frequent to cause the disease. Based on the score and internal cut-off values, a variant classified as likely benign is not then subjected to further curation. The score for this variant resulted in a classification of likely benign for this disease.

NM_000063.6(C2):c.218C>T (p.Pro73Leu)

Gene: C2 (complement C2; plus strand). Cytogenetic location: 6p21.33.
Variant type: single nucleotide variant.
Coding change: c.218C>T on transcript NM_000063.6 (MANE Select); coding-DNA position 218, C replaced by T.
Protein change: p.Pro73Leu; replaces proline 73 with leucine.
Molecular consequence: missense variant. On other transcripts: nonsense (1), genic upstream transcript variant (2), intron variant (1).
Genome position (GRCh38, 1-based): chr6:31,928,126, C>T. VCF-style: chr6-31928126-C-T. GRCh37 (hg19) VCF-style: chr6-31895903-C-T.
Other names: c.103C>T, p.Gln35Ter (NM_001282458.2); c.218C>T, p.Pro73Leu (NM_001282459.2); c.-63-5484C>T (NM_001282457.2); c.74-5484C>T (NM_001178063.3); c.46+328C>T (NM_001145903.3); short protein forms P73L, Q35*.
Identifiers: ClinVar variation 356243 (VCV000356243.13), dbSNP rs137902889, ClinGen allele CA3727304.